The following is an entry in ClinVar:

ClinVar aggregate classification (germline): Uncertain significance. Review status: criteria provided, multiple submitters, no conflicts (2 of 4 stars). 2 submissions from 2 submitters: Uncertain significance (2). Last evaluated 2024-02-14.

Conditions:
Malignant hyperthermia, susceptibility to, 5 (MHS5). Also called: CACNA1S-Related Malignant Hyperthermia Susceptibility. Identifiers: Orphanet 423, MedGen C1866077, MONDO:0011163, OMIM 601887.
Hypokalemic periodic paralysis, type 1. Also called: HypoPP; Hypokalemic Periodic Paralysis Type 1 (AD). Identifiers: Orphanet 681, MedGen C3714580, MONDO:0042979, OMIM 170400.

Allele frequency attached by ClinVar (database versions not stated): TOPMed 0.00001.
gnomAD v4.1: 9 of 1,614,098 alleles (0.00056%); highest among the groups gnomAD compares: East Asian, 0.0045%; no homozygotes.

Submissions (2):

Color Diagnostics, LLC DBA Color Health
Classification: Uncertain significance for Malignant hyperthermia, susceptibility to, 5. Last evaluated: 2024-02-14. Review status: criteria provided, single submitter. Criteria: ACMG Guidelines, 2015. Collection method: clinical testing. Allele origin: germline.
Comment: This missense variant replaces arginine with histidine at codon 594 of the CACNA1S protein. Computational prediction suggests that this variant may have deleterious impact on protein structure and function. To our knowledge, functional studies have not been reported for this variant. This variant has not been reported in individuals affected with CACNA1S-related disorders in the literature. This variant has been identified in 5/282896 chromosomes in the general population by the Genome Aggregation Database (gnomAD). The available evidence is insufficient to determine the role of this variant in disease conclusively. Therefore, this variant is classified as a Variant of Uncertain Significance.

Labcorp Genetics (formerly Invitae), Labcorp
Classification: Uncertain significance for Hypokalemic periodic paralysis, type 1; Malignant hyperthermia, susceptibility to, 5. Last evaluated: 2021-08-30. Review status: criteria provided, single submitter. Criteria: Invitae Variant Classification Sherloc (09022015). Collection method: clinical testing. Allele origin: germline.
Comment: This sequence change replaces arginine with histidine at codon 594 of the CACNA1S protein (p.Arg594His). The arginine residue is highly conserved and there is a small physicochemical difference between arginine and histidine. This variant is present in population databases (rs762032797, ExAC 0.01%). This variant has not been reported in the literature in individuals affected with CACNA1S-related conditions. ClinVar contains an entry for this variant (Variation ID: 473967). Algorithms developed to predict the effect of missense changes on protein structure and function (SIFT, PolyPhen-2, Align-GVGD) all suggest that this variant is likely to be disruptive. In summary, the available evidence is currently insufficient to determine the role of this variant in disease. Therefore, it has been classified as a Variant of Uncertain Significance.

NM_000069.3(CACNA1S):c.1781G>A (p.Arg594His)

Gene: CACNA1S (calcium voltage-gated channel subunit alpha1 S; minus strand). Cytogenetic location: 1q32.1.
Variant type: single nucleotide variant.
Coding change: c.1781G>A on transcript NM_000069.3 (MANE Select); coding-DNA position 1781, G replaced by A.
Protein change: p.Arg594His; replaces arginine 594 with histidine.
Molecular consequence: missense variant.
Genome position (GRCh38, 1-based): chr1:201,076,966, C>T on the plus strand (G>A on the coding strand, the complement: CACNA1S is on the minus strand). VCF-style: chr1-201076966-C-T. GRCh37 (hg19) VCF-style: chr1-201046094-C-T.
Other names: short protein forms R594H.
Identifiers: ClinVar variation 473967 (VCV000473967.7), dbSNP rs762032797, ClinGen allele CA078565.
Genomic context (GRCh38, chr1:201,076,966, plus strand): 5'-GAGGGAGAGCCTACCTGGAAGACGCTGATGAGGGCTTGGGGAAAGTTGTCAAAGTTGCTG[C>T]GCCGTACTTCTGTGTCTTCAAAGTCATACCTCCCCCCAAAGAGCTGCATGCCCAGGAGGG-3'
Protein context (NP_000060.2, residues 584-604): RYDFEDTEVR[Arg594His]SNFDNFPQAL